The following is an entry in ClinVar:

ClinVar aggregate classification (germline): Uncertain significance. Review status: criteria provided, multiple submitters, no conflicts (2 of 4 stars). 4 submissions from 4 submitters: Uncertain significance (4). Last evaluated 2024-04-01.

Conditions:
Inborn genetic diseases. Identifiers: MedGen C0950123, MeSH D030342.
Juvenile onset Parkinson disease 19A. Also called: PARK19; DNAJC6 Parkinson Disease. Identifiers: Orphanet 391411, MedGen C3809811, MONDO:0014231, OMIM 615528.

Allele frequency attached by ClinVar (database versions not stated): TOPMed 0.00008; gnomAD 0.00009 and 0.00012; gnomAD exomes 0.00011 and 0.00015; ExAC 0.00021; ESP Exome Variant Server 0.00031.
gnomAD v4.1: 175 of 1,614,050 alleles (0.011%); highest among the groups gnomAD compares: Non-Finnish European, 0.013%; no homozygotes.

Submissions (4):

Ambry Genetics
Classification: Uncertain significance for Inborn genetic diseases. Last evaluated: 2024-04-01. Review status: criteria provided, single submitter. Criteria: Ambry Variant Classification Scheme 2023. Collection method: clinical testing. Allele origin: germline.

Genome-Nilou Lab
Classification: Uncertain significance for Juvenile onset Parkinson disease 19A. Last evaluated: 2023-04-11. Review status: criteria provided, single submitter. Criteria: ACMG Guidelines, 2015. Collection method: clinical testing. Allele origin: germline. Affected: no.

Labcorp Genetics (formerly Invitae), Labcorp
Classification: Uncertain significance for Juvenile onset Parkinson disease 19A. Last evaluated: 2022-05-26. Review status: criteria provided, single submitter. Criteria: Invitae Variant Classification Sherloc (09022015). Collection method: clinical testing. Allele origin: germline.
Comment: In summary, the available evidence is currently insufficient to determine the role of this variant in disease. Therefore, it has been classified as a Variant of Uncertain Significance. Algorithms developed to predict the effect of missense changes on protein structure and function output the following: SIFT: "Tolerated"; PolyPhen-2: "Benign"; Align-GVGD: "Class C0". The valine amino acid residue is found in multiple mammalian species, which suggests that this missense change does not adversely affect protein function. ClinVar contains an entry for this variant (Variation ID: 623687). This variant has not been reported in the literature in individuals affected with DNAJC6-related conditions. This variant is present in population databases (rs200712827, gnomAD 0.03%). This sequence change replaces isoleucine, which is neutral and non-polar, with valine, which is neutral and non-polar, at codon 347 of the DNAJC6 protein (p.Ile347Val).

CeGaT Center for Human Genetics Tuebingen
Classification: Uncertain significance. Last evaluated: 2018-04-01. Review status: criteria provided, single submitter. Criteria: CeGaT Center For Human Genetics Tuebingen Variant Classification Criteria Version 2. Collection method: clinical testing. Allele origin: germline. Affected: yes. Observed: 1 variant allele.

NM_001256864.2(DNAJC6):c.1039A>G (p.Ile347Val)

Gene: DNAJC6 (DnaJ heat shock protein family (Hsp40) member C6; plus strand). Cytogenetic location: 1p31.3.
Variant type: single nucleotide variant.
Coding change: c.1039A>G on transcript NM_001256864.2 (MANE Select); coding-DNA position 1039, A replaced by G.
Protein change: p.Ile347Val; replaces isoleucine 347 with valine.
Molecular consequence: missense variant.
Genome position (GRCh38, 1-based): chr1:65,386,855, A>G. VCF-style: chr1-65386855-A-G. GRCh37 (hg19) VCF-style: chr1-65852538-A-G.
Other names: c.829A>G, p.Ile277Val (NM_001256865.2); c.868A>G, p.Ile290Val (NM_014787.4); c.868A>G (NM_014787.2); short protein forms I277V, I347V, I290V.
Identifiers: ClinVar variation 623687 (VCV000623687.50), dbSNP rs200712827, ClinGen allele CA893821.